The following is an entry in ClinVar:

NM_001853.4(COL9A3):c.1022G>A (p.Arg341Gln)

Gene: COL9A3 (collagen type IX alpha 3 chain; plus strand). Cytogenetic location: 20q13.33.
Variant type: single nucleotide variant.
Coding change: c.1022G>A on transcript NM_001853.4 (MANE Select); coding-DNA position 1022, G replaced by A.
Protein change: p.Arg341Gln; replaces arginine 341 with glutamine.
Molecular consequence: missense variant.
Genome position (GRCh38, 1-based): chr20:62,829,468, G>A. VCF-style: chr20-62829468-G-A. GRCh37 (hg19) VCF-style: chr20-61460820-G-A.
Other names: short protein forms R341Q.
Identifiers: ClinVar variation 1379582 (VCV001379582.6), dbSNP rs1188675315, ClinGen allele CA409593274.

ClinVar aggregate classification (germline): Uncertain significance (1 of 4 stars; one submission).

Allele frequency attached by ClinVar (database versions not stated): gnomAD exomes below 0.00001 and 0.00001; gnomAD 0.00001; TOPMed 0.00002.
gnomAD v4.1: 14 of 1,612,696 alleles (0.00087%); highest among the groups gnomAD compares: African/African-American, 0.0027%; no homozygotes.

Submission:

Labcorp Genetics (formerly Invitae), Labcorp
Classification: Uncertain significance. Last evaluated: 2023-12-15. Review status: criteria provided, single submitter. Criteria: Invitae Variant Classification Sherloc (09022015). Collection method: clinical testing. Allele origin: germline.
Comment: This sequence change replaces arginine, which is basic and polar, with glutamine, which is neutral and polar, at codon 341 of the COL9A3 protein (p.Arg341Gln). This variant is present in population databases (no rsID available, gnomAD 0.007%). This variant has not been reported in the literature in individuals affected with COL9A3-related conditions. ClinVar contains an entry for this variant (Variation ID: 1379582). Advanced modeling of protein sequence and biophysical properties (such as structural, functional, and spatial information, amino acid conservation, physicochemical variation, residue mobility, and thermodynamic stability) performed at Invitae indicates that this missense variant is not expected to disrupt COL9A3 protein function with a negative predictive value of 95%. In summary, the available evidence is currently insufficient to determine the role of this variant in disease. Therefore, it has been classified as a Variant of Uncertain Significance.